The following is an entry in ClinVar:

ClinVar aggregate classification (germline): Uncertain significance. Review status: criteria provided, multiple submitters, no conflicts (2 of 4 stars). 2 submissions from 2 submitters: Uncertain significance (2). Last evaluated 2026-03-01.

Conditions:
Glycogen storage disease IXd (GSD9D). Also called: Muscle Phosphorylase Kinase Deficiency; GSD IXd. Identifiers: Orphanet 715, MedGen C1845151, MONDO:0010362, OMIM 300559.

Allele frequency attached by ClinVar (database versions not stated): gnomAD exomes below 0.00001.
gnomAD v4.1: 2 of 1,192,844 alleles (0.00017%); highest among the groups gnomAD compares: Middle Eastern, 0.046%; no homozygotes.

Submissions (2):

GeneDx
Classification: Uncertain significance. Last evaluated: 2026-03-01. Review status: criteria provided, single submitter. Criteria: GeneDx Variant Classification Process June 2021. Collection method: clinical testing. Allele origin: germline.
Comment: Not observed at significant frequency in large population cohorts (gnomAD); In silico analysis suggests that this missense variant does not alter protein structure/function; Has not been previously published as pathogenic or benign to our knowledge

Labcorp Genetics (formerly Invitae), Labcorp
Classification: Uncertain significance for Glycogen storage disease IXd. Last evaluated: 2025-11-27. Review status: criteria provided, single submitter. Criteria: Invitae Variant Classification Sherloc (09022015). Collection method: clinical testing. Allele origin: germline.
Comment: This sequence change replaces aspartic acid, which is acidic and polar, with asparagine, which is neutral and polar, at codon 734 of the PHKA1 protein (p.Asp734Asn). This variant is not present in population databases (gnomAD no frequency). This variant has not been reported in the literature in individuals affected with PHKA1-related conditions. ClinVar contains an entry for this variant (Variation ID: 2170477). Invitae Evidence Modeling of protein sequence and biophysical properties (such as structural, functional, and spatial information, amino acid conservation, physicochemical variation, residue mobility, and thermodynamic stability) indicates that this missense variant is not expected to disrupt PHKA1 protein function with a negative predictive value of 80%. In summary, the available evidence is currently insufficient to determine the role of this variant in disease. Therefore, it has been classified as a Variant of Uncertain Significance.

NM_002637.4(PHKA1):c.2200G>A (p.Asp734Asn)

Gene: PHKA1 (phosphorylase kinase regulatory subunit alpha 1; minus strand). Cytogenetic location: Xq13.1.
Variant type: single nucleotide variant.
Coding change: c.2200G>A on transcript NM_002637.4 (MANE Select); coding-DNA position 2200, G replaced by A.
Protein change: p.Asp734Asn; replaces aspartic acid 734 with asparagine.
Molecular consequence: missense variant.
Genome position (GRCh38, 1-based): chrX:72,619,243, C>T on the plus strand (G>A on the coding strand, the complement: PHKA1 is on the minus strand). VCF-style: chrX-72619243-C-T. GRCh37 (hg19) VCF-style: chrX-71839093-C-T.
Other names: c.2200G>A, p.Asp734Asn (NM_001122670.2); c.2023G>A, p.Asp675Asn (NM_001172436.2); c.2200G>A (NM_002637.3); short protein forms D675N, D734N.
Identifiers: ClinVar variation 2170477 (VCV002170477.5), dbSNP rs2522478428, ClinGen allele CA413590732.